The following is an entry in ClinVar:

ClinVar aggregate classification (germline): Benign. Review status: criteria provided, multiple submitters, no conflicts (2 of 4 stars). 3 submissions from 3 submitters: Benign (3). Last evaluated 2026-08-01.

Allele frequency attached by ClinVar (database versions not stated): gnomAD exomes 0.01169 and 0.00712; 1000 Genomes Project 0.00419; 1000 Genomes Project 30x 0.00422; ExAC 0.00648; TOPMed 0.00722; gnomAD 0.00748 and 0.00752; ESP Exome Variant Server 0.00938.
gnomAD v4.1: 18,260 of 1,613,932 alleles (1.1%); highest among the groups gnomAD compares: Non-Finnish European, 1.4%; 135 homozygotes.

Submissions (3):

CeGaT Center for Human Genetics Tuebingen
Classification: Benign. Last evaluated: 2026-08-01. Review status: criteria provided, single submitter. Criteria: CeGaT Center For Human Genetics Tuebingen Variant Classification Criteria Version 2. Collection method: clinical testing. Allele origin: germline. Affected: yes. Observed: 3 variant alleles.
Comment: CD28: BP4, BP7, BS1, BS2

Labcorp Genetics (formerly Invitae), Labcorp
Classification: Benign. Last evaluated: 2018-08-23. Review status: criteria provided, single submitter. Criteria: Invitae Variant Classification Sherloc (09022015). Collection method: clinical testing. Allele origin: germline.

Breakthrough Genomics
Classification: Benign. Review status: criteria provided, single submitter. Criteria: ACMG Guidelines, 2015. Collection method: not provided. Allele origin: germline. Inheritance: Unknown mechanism. Affected: yes.

NM_006139.4(CD28):c.105G>A (p.Ala35=)

Gene: CD28 (CD28 molecule; plus strand). Cytogenetic location: 2q33.2.
Variant type: single nucleotide variant.
Coding change: c.105G>A on transcript NM_006139.4 (MANE Select); coding-DNA position 105, G replaced by A.
Protein change: p.Ala35=; no amino-acid change (alanine 35 retained).
Molecular consequence: synonymous variant. On other transcripts: intron variant (1).
Genome position (GRCh38, 1-based): chr2:203,726,685, G>A. VCF-style: chr2-203726685-G-A. GRCh37 (hg19) VCF-style: chr2-204591408-G-A.
Other names: c.105G>A, p.Ala35= (NM_001243077.2); c.53-2963G>A (NM_001243078.2).
Identifiers: ClinVar variation 774413 (VCV000774413.17), dbSNP rs41272649, ClinGen allele CA2066880.